The following is an entry in ClinVar:

ClinVar aggregate classification (germline): Uncertain significance. Review status: criteria provided, multiple submitters, no conflicts (2 of 4 stars). 2 submissions from 2 submitters: Uncertain significance (2). Last evaluated 2025-02-11.

Conditions:
Hereditary cancer-predisposing syndrome. Also called: Neoplastic Syndromes, Hereditary; Hereditary neoplastic syndrome; Tumor predisposition; Hereditary Cancer Syndrome. Identifiers: Orphanet 140162, MedGen C0027672, MeSH D009386, MONDO:0015356.
Ataxia-telangiectasia syndrome (AT). Also called: ATAXIA-TELANGIECTASIA, COMPLEMENTATION GROUP A; ATAXIA-TELANGIECTASIA, FRESNO VARIANT; Ataxia-telangiectasia, complementation group D; LOUIS-BAR SYNDROME; AT, COMPLEMENTATION GROUP C; Ataxia-telangiectasia. Identifiers: Orphanet 100, MedGen C0004135, MONDO:0008840, OMIM 208900.

Submissions (2):

Ambry Genetics
Classification: Uncertain significance for Hereditary cancer-predisposing syndrome. Last evaluated: 2025-02-11. Review status: criteria provided, single submitter. Criteria: Ambry Variant Classification Scheme 2023. Collection method: clinical testing. Allele origin: germline.
Comment: The p.G1642E variant (also known as c.4925G>A), located in coding exon 32 of the ATM gene, results from a G to A substitution at nucleotide position 4925. The glycine at codon 1642 is replaced by glutamic acid, an amino acid with similar properties. This amino acid position is not well conserved in available vertebrate species. In addition, this alteration is predicted to be tolerated by in silico analysis. Based on the available evidence, the clinical significance of this variant remains unclear.

Labcorp Genetics (formerly Invitae), Labcorp
Classification: Uncertain significance for Ataxia-telangiectasia syndrome. Last evaluated: 2024-01-09. Review status: criteria provided, single submitter. Criteria: Invitae Variant Classification Sherloc (09022015). Collection method: clinical testing. Allele origin: germline.
Comment: This sequence change replaces glycine, which is neutral and non-polar, with glutamic acid, which is acidic and polar, at codon 1642 of the ATM protein (p.Gly1642Glu). This variant is not present in population databases (gnomAD no frequency). This variant has not been reported in the literature in individuals affected with ATM-related conditions. An algorithm developed to predict the effect of missense changes on protein structure and function (PolyPhen-2) suggests that this variant is likely to be tolerated. In summary, the available evidence is currently insufficient to determine the role of this variant in disease. Therefore, it has been classified as a Variant of Uncertain Significance.

NM_000051.4(ATM):c.4925G>A (p.Gly1642Glu)

Gene: ATM (ATM serine/threonine kinase; plus strand). Cytogenetic location: 11q22.3.
Variant type: single nucleotide variant.
Coding change: c.4925G>A on transcript NM_000051.4 (MANE Select); coding-DNA position 4925, G replaced by A.
Protein change: p.Gly1642Glu; replaces glycine 1642 with glutamic acid.
Molecular consequence: missense variant.
Genome position (GRCh38, 1-based): chr11:108,297,302, G>A. VCF-style: chr11-108297302-G-A. GRCh37 (hg19) VCF-style: chr11-108168029-G-A.
Other names: c.4925G>A, p.Gly1642Glu (NM_001351834.2); short protein forms G1642E.
Identifiers: ClinVar variation 2708433 (VCV002708433.4), dbSNP rs2083175620, ClinGen allele CA382538081.